The following is an entry in ClinVar:

NM_173630.4(RTTN):c.4142A>T (p.Glu1381Val)

Gene: RTTN (rotatin; minus strand). Cytogenetic location: 18q22.2.
Variant type: single nucleotide variant.
Coding change: c.4142A>T on transcript NM_173630.4 (MANE Select); coding-DNA position 4142, A replaced by T.
Protein change: p.Glu1381Val; replaces glutamic acid 1381 with valine.
Molecular consequence: missense variant.
Genome position (GRCh38, 1-based): chr18:70,092,111, T>A on the plus strand (A>T on the coding strand, the complement: RTTN is on the minus strand). VCF-style: chr18-70092111-T-A. GRCh37 (hg19) VCF-style: chr18-67759347-T-A.
Other names: c.1406A>T, p.Glu469Val (NM_001318520.2); short protein forms E1381V, E469V.
Identifiers: ClinVar variation 3368975 (VCV003368975.2).

ClinVar aggregate classification (germline): Uncertain significance (1 of 4 stars; one submission).

gnomAD v4.1: 28 of 1,596,820 alleles (0.0018%); highest among the groups gnomAD compares: Non-Finnish European, 0.0021%; no homozygotes.

Submission:

GeneDx
Classification: Uncertain significance. Last evaluated: 2026-01-16. Review status: criteria provided, single submitter. Criteria: GeneDx Variant Classification Process June 2021. Collection method: clinical testing. Allele origin: germline.
Comment: Not observed at significant frequency in large population cohorts (gnomAD); In silico analysis suggests that this missense variant does not alter protein structure/function; Has not been previously published as pathogenic or benign to our knowledge